The following is an entry in ClinVar:

NM_001035.3(RYR2):c.2468A>T (p.Tyr823Phe)

Gene: RYR2 (ryanodine receptor 2; plus strand). Cytogenetic location: 1q43.
Variant type: single nucleotide variant.
Coding change: c.2468A>T on transcript NM_001035.3 (MANE Select); coding-DNA position 2468, A replaced by T.
Protein change: p.Tyr823Phe; replaces tyrosine 823 with phenylalanine.
Molecular consequence: missense variant.
Genome position (GRCh38, 1-based): chr1:237,503,360, A>T. VCF-style: chr1-237503360-A-T. GRCh37 (hg19) VCF-style: chr1-237666660-A-T.
Other names: c.2468A>T, p.Tyr823Phe (LRG_402t1); short protein forms Y823F.
Identifiers: ClinVar variation 560717 (VCV000560717.2), dbSNP rs759178071, ClinGen allele CA345378901.
Genomic context (GRCh38, chr1:237,503,360, plus strand): 5'-TGCTTGGAGGGCGACATGGAGAATTCAAATTTCTTCCTCCACCTGGGTATGCTCCTTGTT[A>T]TGAAGCTGTTCTGCCAAAAGAAAAGTTGAAAGTGGAACACAGCCGAGAGTACAAGCAAGA-3'
Protein context (NP_001026.2, residues 813-833): FLPPPGYAPC[Tyr823Phe]EAVLPKEKLK

ClinVar aggregate classification (germline): Uncertain significance. Review status: criteria provided, multiple submitters, no conflicts (2 of 4 stars). 2 submissions from 2 submitters: Uncertain significance (2). Last evaluated 2025-09-09.

Conditions:
Cardiomyopathy (CMYO). Also called: Cardiomyopathies. Identifiers: Orphanet 167848, MedGen C0878544, MONDO:0004994, HP:0001638. Inheritance: Various modes of inheritance.
Catecholaminergic polymorphic ventricular tachycardia 1. Also called: RYR2-Related Catecholaminergic Polymorphic Ventricular Tachycardia; VENTRICULAR TACHYCARDIA, CATECHOLAMINERGIC POLYMORPHIC, 1, WITH OR WITHOUT ATRIAL DYSFUNCTION AND/OR DILATED CARDIOMYOPATHY; VENTRICULAR TACHYCARDIA, STRESS-INDUCED POLYMORPHIC 1. Identifiers: Orphanet 3286, MedGen C1631597, MONDO:0011484, OMIM 604772.

Submissions (2):

Color Diagnostics, LLC DBA Color Health
Classification: Uncertain significance for Cardiomyopathy. Last evaluated: 2025-09-09. Review status: criteria provided, single submitter. Criteria: ACMG Guidelines, 2015. Collection method: clinical testing. Allele origin: germline.
Comment: This missense variant replaces tyrosine with phenylalanine at codon 823 of the RYR2 protein. Computational prediction suggests that this variant may not impact protein structure and function. To our knowledge, functional studies have not been reported for this variant. This variant has not been reported in individuals affected with RYR2-related disorders in the literature. This variant has not been identified in the general population by the Genome Aggregation Database (gnomAD). The available evidence is insufficient to determine the role of this variant in disease conclusively. Therefore, this variant is classified as a Variant of Uncertain Significance.

MVZ Martinsried, Medicover Genetics
Classification: Uncertain significance for Catecholaminergic polymorphic ventricular tachycardia 1. Last evaluated: 2018-06-18. Review status: criteria provided, single submitter. Criteria: ACMG Guidelines, 2015. Collection method: clinical testing. Allele origin: unknown. Affected: yes.